The following is an entry in ClinVar:

ClinVar aggregate classification (germline): Benign/Likely benign. Review status: criteria provided, multiple submitters, no conflicts (2 of 4 stars). 2 submissions from 2 submitters: Benign (1); Likely benign (1). Last evaluated 2025-05-01.

Submissions (2):

CeGaT Center for Human Genetics Tuebingen
Classification: Benign. Last evaluated: 2025-05-01. Review status: criteria provided, single submitter. Criteria: CeGaT Center For Human Genetics Tuebingen Variant Classification Criteria Version 2. Collection method: clinical testing. Allele origin: germline. Affected: yes. Observed: 1 variant allele.
Comment: CDK13: BS1, BS2

Labcorp Genetics (formerly Invitae), Labcorp
Classification: Likely benign. Last evaluated: 2024-05-15. Review status: criteria provided, single submitter. Criteria: Invitae Variant Classification Sherloc (09022015). Collection method: clinical testing. Allele origin: germline.

NM_003718.5(CDK13):c.213CGC[5] (p.Ala76_Ser77insAla)

Genes: CDK13 (cyclin dependent kinase 13; plus strand), LOC129998292 (ATAC-STARR-seq lymphoblastoid silent region 18115; plus strand). Cytogenetic location: 7p14.1.
Variant type: Microsatellite.
Coding change: c.213CGC[5] on transcript NM_003718.5 (MANE Select); five copies in a row of the 3-base unit CGC starting at c.213; the reference has four copies in a row; one copy, 3 bases duplicated.
Protein change: p.Ala76_Ser77insAla.
Molecular consequence: inframe indel (on NM_031267.4).
Genome position (GRCh38, 1-based): chr7:39,950,863-39,950,865, CGC duplicated; duplicating any 3 consecutive bases within chr7:39,950,852-39,950,865 gives the same sequence; the position shown is the placement nearest the transcript's 3' end. VCF-style (leftmost placement, unchanged base first): chr7-39950851-A-AGCC. GRCh37 (hg19) VCF-style: chr7-39990450-A-AGCC.
Other names: c.213_215CGC[5], p.Ala76_Ser77insAla (NM_031267.4).
Identifiers: ClinVar variation 1983919 (VCV001983919.14), dbSNP rs752685344, ClinGen allele CA838403417.
Genomic context (GRCh38, chr7:39,950,851, plus strand): 5'-ACCGCCGCCGCCCCCGCCGCCTCTGCTCTTCCTGGCTGCTCCCGGCACGGCCGCCGCCGC[A>AGCC]GCCGCCGCCGCCGCGGCCTCCTCCTCTTGCTTCAGCCCGGGCCCCCCTCTGGAGGTCAAG-3'